The following is an entry in ClinVar:

NM_020549.5(CHAT):c.1703ACA[1] (p.Asn569del)

Gene: CHAT (choline O-acetyltransferase; plus strand). Cytogenetic location: 10q11.23.
Variant type: Microsatellite.
Coding change: c.1703ACA[1] on transcript NM_020549.5 (MANE Select); one copy of the 3-base unit ACA starting at c.1703; the reference has two copies in a row; one copy, 3 bases deleted.
Protein change: p.Asn569del; deletes asparagine 569.
Molecular consequence: inframe deletion.
Genome position (GRCh38, 1-based): chr10:49,655,166-49,655,168, ACA deleted; deleting any 3 consecutive bases within chr10:49,655,163-49,655,168 gives the same sequence; the position shown is the placement nearest the transcript's 3' end. VCF-style (leftmost placement, unchanged base first): chr10-49655162-GACA-G. GRCh37 (hg19) VCF-style: chr10-50863208-GACA-G.
Other names: c.1349ACA[1], p.Asn451del (NM_001142929.2, NM_001142934.2, NM_020984.4 and 2 more transcripts); c.1457ACA[1], p.Asn487del (NM_001142933.2); short protein forms N487del, N451del, N569del.
Identifiers: ClinVar variation 1997632 (VCV001997632.1), dbSNP rs139324199, ClinGen allele CA5497599.
Genomic context (GRCh38, chr10:49,655,162, plus strand): 5'-CGAAGACTGGTGCCCACCTACGAGAGCGCGTCCATCCGCCGATTCCAGGAGGGACGCGTG[GACA>G]ACATCAGATCGGCCACTCCAGAGGCACTGGCTTTTGTGAGAGCCGTGACTGACCACAAGG-3'

ClinVar aggregate classification (germline): Uncertain significance (1 of 4 stars; one submission).

Conditions:
Familial infantile myasthenia (CMS6). Also called: MYASTHENIC SYNDROME, PRESYNAPTIC, CONGENITAL, ASSOCIATED WITH EPISODIC APNEA; Congenital myasthenic syndrome type 6; MYASTHENIC SYNDROME, CONGENITAL, 6, PRESYNAPTIC. Identifiers: Orphanet 590, MedGen C0393929, MONDO:0009689, OMIM 254210.

Submission:

Labcorp Genetics (formerly Invitae), Labcorp
Classification: Uncertain significance for Familial infantile myasthenia. Last evaluated: 2022-07-01. Review status: criteria provided, single submitter. Criteria: Invitae Variant Classification Sherloc (09022015). Collection method: clinical testing. Allele origin: germline.
Comment: This variant, c.1706_1708del, results in the deletion of 1 amino acid(s) of the CHAT protein (p.Asn569del), but otherwise preserves the integrity of the reading frame. This variant is present in population databases (rs139324199, gnomAD 0.004%). This variant has not been reported in the literature in individuals affected with CHAT-related conditions. Experimental studies and prediction algorithms are not available or were not evaluated, and the functional significance of this variant is currently unknown. In summary, the available evidence is currently insufficient to determine the role of this variant in disease. Therefore, it has been classified as a Variant of Uncertain Significance.